The following is an entry in ClinVar:

NM_020297.4(ABCC9):c.2022C>T (p.Val674=)

Gene: ABCC9 (ATP binding cassette subfamily C member 9; minus strand). Cytogenetic location: 12p12.1.
Variant type: single nucleotide variant.
Coding change: c.2022C>T on transcript NM_020297.4 (MANE Select); coding-DNA position 2022, C replaced by T.
Protein change: p.Val674=; no amino-acid change (valine 674 retained).
Molecular consequence: synonymous variant.
Genome position (GRCh38, 1-based): chr12:21,875,724, G>A on the plus strand (C>T on the coding strand, the complement: ABCC9 is on the minus strand). VCF-style: chr12-21875724-G-A. GRCh37 (hg19) VCF-style: chr12-22028658-G-A.
Other names: c.2022C>T, p.Val674= (NM_001377273.1, NM_005691.4); c.1158C>T, p.Val386= (NM_001377274.1); c.2022C>T (NM_005691.2).
Identifiers: ClinVar variation 510013 (VCV000510013.2), dbSNP rs1555195612, ClinGen allele CA478875611.

ClinVar aggregate classification (germline): Likely benign. Review status: criteria provided, multiple submitters, no conflicts (2 of 4 stars). 2 submissions from 2 submitters: Likely benign (2). Last evaluated 2025-08-19.

Conditions:
Cardiovascular phenotype. Identifiers: MedGen CN230736.

Allele frequency attached by ClinVar (database versions not stated): gnomAD exomes below 0.00001.
gnomAD v4.1: 6 of 1,605,540 alleles (0.00037%); highest among the groups gnomAD compares: Non-Finnish European, 0.00043%; no homozygotes.

Submissions (2):

Ambry Genetics
Classification: Likely benign for Cardiovascular phenotype. Last evaluated: 2025-08-19. Review status: criteria provided, single submitter. Criteria: Ambry Variant Classification Scheme 2023. Collection method: clinical testing. Allele origin: germline.

GeneDx
Classification: Likely benign. Last evaluated: 2017-06-05. Review status: criteria provided, single submitter. Criteria: GeneDx Variant Classification (06012015). Collection method: clinical testing. Allele origin: germline. Affected: yes.
Comment: This variant is considered likely benign or benign based on one or more of the following criteria: it is a conservative change, it occurs at a poorly conserved position in the protein, it is predicted to be benign by multiple in silico algorithms, and/or has population frequency not consistent with disease.